The following is an entry in ClinVar:

NM_016507.4(CDK12):c.2135G>T (p.Arg712Ile)

Gene: CDK12 (cyclin dependent kinase 12; plus strand). Cytogenetic location: 17q12.
Variant type: single nucleotide variant.
Coding change: c.2135G>T on transcript NM_016507.4 (MANE Select); coding-DNA position 2135, G replaced by T.
Protein change: p.Arg712Ile; replaces arginine 712 with isoleucine.
Molecular consequence: missense variant.
Genome position (GRCh38, 1-based): chr17:39,492,777, G>T. VCF-style: chr17-39492777-G-T. GRCh37 (hg19) VCF-style: chr17-37649030-G-T.
Other names: c.2135G>T, p.Arg712Ile (NM_015083.4); short protein forms R712I.
Identifiers: ClinVar variation 4224327 (VCV004224327.1).

ClinVar aggregate classification (germline): Uncertain significance (1 of 4 stars; one submission).

Submission:

Ambry Genetics
Classification: Uncertain significance. Last evaluated: 2025-08-01. Review status: criteria provided, single submitter. Criteria: Ambry Variant Classification Scheme 2023. Collection method: clinical testing. Allele origin: germline.
Comment: The p.R712I variant (also known as c.2135G>T), located in coding exon 4 of the CDK12 gene, results from a G to T substitution at nucleotide position 2135. The arginine at codon 712 is replaced by isoleucine, an amino acid with similar properties. This amino acid position is conserved. In addition, the in silico prediction for this alteration is inconclusive. Based on the available evidence, the clinical significance of this variant remains unclear.